The following is an entry in ClinVar:

NM_000051.4(ATM):c.3625_3626insCTCA (p.Phe1209fs)

Gene: ATM (ATM serine/threonine kinase; plus strand). Cytogenetic location: 11q22.3.
Variant type: Insertion.
Coding change: c.3625_3626insCTCA on transcript NM_000051.4 (MANE Select); coding-DNA positions 3625 to 3626, CTCA inserted.
Protein change: p.Phe1209fs; shifts the reading frame from phenylalanine 1209.
Molecular consequence: frameshift variant.
Genome position: GRCh38 VCF-style: chr11-108282758-T-TCTCA. GRCh37 (hg19) VCF-style: chr11-108153485-T-TCTCA.
Other names: c.3625_3626insCTCA, p.Phe1209fs (NM_001351834.2); short protein forms F1209fs.
Identifiers: ClinVar variation 1434250 (VCV001434250.1), dbSNP rs2135688037, ClinGen allele CA2573146573.

ClinVar aggregate classification (germline): Pathogenic (1 of 4 stars; one submission).

Conditions:
Ataxia-telangiectasia syndrome (AT). Also called: ATAXIA-TELANGIECTASIA, FRESNO VARIANT; ATAXIA-TELANGIECTASIA, COMPLEMENTATION GROUP A; Ataxia-telangiectasia, complementation group D; AT, COMPLEMENTATION GROUP C; Ataxia telangiectasia (A-T); LOUIS-BAR SYNDROME. Identifiers: Orphanet 100, MedGen C0004135, MONDO:0008840, OMIM 208900.

Submission:

Labcorp Genetics (formerly Invitae), Labcorp
Classification: Pathogenic for Ataxia-telangiectasia syndrome. Last evaluated: 2021-05-30. Review status: criteria provided, single submitter. Criteria: Invitae Variant Classification Sherloc (09022015). Collection method: clinical testing. Allele origin: germline.
Comment: This sequence change creates a premature translational stop signal (p.Phe1209_Ala1211delinsSerHis*) in the ATM gene. It is expected to result in an absent or disrupted protein product. Loss-of-function variants in ATM are known to be pathogenic (PMID: 23807571, 25614872). This variant is not present in population databases (ExAC no frequency). This variant has not been reported in the literature in individuals with ATM-related conditions. For these reasons, this variant has been classified as Pathogenic.

Literature cited by the submitters: PubMed 23807571; PubMed 25614872.